The following is an entry in ClinVar:

ClinVar aggregate classification (germline): Likely benign (0 of 4 stars; one submission).

Conditions:
PCCA-related disorder. Also called: PCCA-related condition.

Allele frequency attached by ClinVar (database versions not stated): TOPMed 0.00009.

Submission:

PreventionGenetics, part of Exact Sciences
Classification: Likely benign for PCCA-related condition. Last evaluated: 2021-03-04. Review status: no assertion criteria provided. Collection method: clinical testing. Allele origin: germline.
Comment: This variant is classified as likely benign based on ACMG/AMP sequence variant interpretation guidelines (Richards et al. 2015 PMID: 25741868, with internal and published modifications).

NM_000282.4(PCCA):c.648C>T (p.Val216=)

Gene: PCCA (propionyl-CoA carboxylase subunit alpha; plus strand). Cytogenetic location: 13q32.3.
Variant type: single nucleotide variant.
Coding change: c.648C>T on transcript NM_000282.4 (MANE Select); coding-DNA position 648, C replaced by T.
Protein change: p.Val216=; no amino-acid change (valine 216 retained).
Molecular consequence: synonymous variant. On other transcripts: non-coding transcript variant (5), intron variant (3).
Genome position (GRCh38, 1-based): chr13:100,257,605, C>T. VCF-style: chr13-100257605-C-T. GRCh37 (hg19) VCF-style: chr13-100909859-C-T.
Other names: c.570C>T, p.Val190= (NM_001127692.3, NM_001352607.2, NM_001352608.2); c.648C>T, p.Val216= (NM_001178004.2, NM_001352605.2, NM_001352606.2 and 1 more transcripts); c.-229-5124C>T (NM_001352610.2, NM_001352611.2, NM_001352612.2).
Identifiers: ClinVar variation 3048039 (VCV003048039.2), dbSNP rs893059795, ClinGen allele CA255982341.
Genomic context (GRCh38, chr13:100,257,605, plus strand): 5'-ATCCCAATGATCAAAGTCTGAACTTCTGTCTAATTCTTCCCTGCTGTTAGGCTACCCTGT[C>T]ATGATCAAGGCCTCAGCAGGTGGTGGTGGGAAAGGCATGCGCATTGCTTGGGATGATGAA-3'
Protein context (NP_000273.2, residues 206-226): VRIAREIGYP[Val216=]MIKASAGGGG